The following is an entry in ClinVar:

ClinVar aggregate classification (germline): Uncertain significance (1 of 4 stars; one submission).

Conditions:
Beckwith-Wiedemann syndrome (BWS). Also called: Exomphalos macroglossia gigantism syndrome; EMG SYNDROME. Identifiers: Orphanet 116, MedGen C0004903, MONDO:0007534, OMIM 130650.

Allele frequency attached by ClinVar (database versions not stated): gnomAD exomes below 0.00001.

Submission:

Labcorp Genetics (formerly Invitae), Labcorp
Classification: Uncertain significance for Beckwith-Wiedemann syndrome. Last evaluated: 2023-05-28. Review status: criteria provided, single submitter. Criteria: Invitae Variant Classification Sherloc (09022015). Collection method: clinical testing. Allele origin: germline.
Comment: Advanced modeling of protein sequence and biophysical properties (such as structural, functional, and spatial information, amino acid conservation, physicochemical variation, residue mobility, and thermodynamic stability) performed at Invitae indicates that this missense variant is not expected to disrupt CDKN1C protein function. ClinVar contains an entry for this variant (Variation ID: 1004074). This variant has not been reported in the literature in individuals affected with CDKN1C-related conditions. The frequency data for this variant in the population databases is considered unreliable, as metrics indicate insufficient coverage at this position in the gnomAD database. This sequence change replaces proline, which is neutral and non-polar, with serine, which is neutral and polar, at codon 210 of the CDKN1C protein (p.Pro210Ser). In summary, the available evidence is currently insufficient to determine the role of this variant in disease. Therefore, it has been classified as a Variant of Uncertain Significance.

NM_001122630.2(CDKN1C):c.595C>T (p.Pro199Ser)

Gene: CDKN1C (cyclin dependent kinase inhibitor 1C; minus strand). Cytogenetic location: 11p15.4.
Variant type: single nucleotide variant.
Coding change: c.595C>T on transcript NM_001122630.2 (MANE Select); coding-DNA position 595, C replaced by T.
Protein change: p.Pro199Ser; replaces proline 199 with serine.
Molecular consequence: missense variant. On other transcripts: intron variant (1).
Genome position (GRCh38, 1-based): chr11:2,884,862, G>A on the plus strand (C>T on the coding strand, the complement: CDKN1C is on the minus strand). VCF-style: chr11-2884862-G-A. GRCh37 (hg19) VCF-style: chr11-2906092-G-A.
Other names: c.628C>T, p.Pro210Ser (NM_000076.2, NM_001362474.2); c.595C>T, p.Pro199Ser (NM_001122631.2); c.255+340C>T (NM_001362475.2); short protein forms P199S, P210S.
Identifiers: ClinVar variation 1004074 (VCV001004074.8), dbSNP rs1848932744, ClinGen allele CA379146228.